The following is an entry in ClinVar:

NM_001378454.1(ALMS1):c.58G>A (p.Glu20Lys)

Gene: ALMS1 (ALMS1 centrosome and basal body associated protein; plus strand). Cytogenetic location: 2p13.1.
Variant type: single nucleotide variant.
Coding change: c.58G>A on transcript NM_001378454.1 (MANE Select); coding-DNA position 58, G replaced by A.
Protein change: p.Glu20Lys; replaces glutamic acid 20 with lysine.
Molecular consequence: missense variant.
Genome position (GRCh38, 1-based): chr2:73,385,926, G>A. VCF-style: chr2-73385926-G-A. GRCh37 (hg19) VCF-style: chr2-73613054-G-A.
Other names: c.61G>A, p.Glu21Lys (NM_015120.4); short protein forms E20K, E21K.
Identifiers: ClinVar variation 2101928 (VCV002101928.5), dbSNP rs2465970198, ClinGen allele CA347250507.

ClinVar aggregate classification (germline): Uncertain significance. Review status: criteria provided, multiple submitters, no conflicts (2 of 4 stars). 2 submissions from 2 submitters: Uncertain significance (2). Last evaluated 2026-08-03.

Conditions:
ALMS1-related disorder. Also called: ALMS1-related condition.
Alstrom syndrome (ALMS). Identifiers: Orphanet 64, MedGen C0268425, MONDO:0008763, OMIM 203800.

Submissions (2):

PreventionGenetics, part of Exact Sciences
Classification: Uncertain significance for ALMS1-related condition. Last evaluated: 2026-08-03. Review status: criteria provided, single submitter. Criteria: ACMG Guidelines, 2015. Collection method: clinical testing. Allele origin: germline.
Comment: The ALMS1 c.61G>A variant is predicted to result in the amino acid substitution p.Glu21Lys. To our knowledge, this variant has not been reported in the literature or in a large population database (gnomAD), indicating this variant is rare. At this time, the clinical significance of this variant is uncertain due to the absence of conclusive functional and genetic evidence.

Labcorp Genetics (formerly Invitae), Labcorp
Classification: Uncertain significance for Alstrom syndrome. Last evaluated: 2022-02-22. Review status: criteria provided, single submitter. Criteria: Invitae Variant Classification Sherloc (09022015). Collection method: clinical testing. Allele origin: germline.
Comment: In summary, the available evidence is currently insufficient to determine the role of this variant in disease. Therefore, it has been classified as a Variant of Uncertain Significance. Experimental studies and prediction algorithms are not available or were not evaluated, and the functional significance of this variant is currently unknown. This variant has not been reported in the literature in individuals affected with ALMS1-related conditions. This variant is not present in population databases (gnomAD no frequency). This sequence change replaces glutamic acid, which is acidic and polar, with lysine, which is basic and polar, at codon 21 of the ALMS1 protein (p.Glu21Lys).